The following is an entry in ClinVar:

ClinVar aggregate classification (germline): Conflicting classifications of pathogenicity. Review status: criteria provided, conflicting classifications (1 of 4 stars). 2 submissions from 2 submitters: Uncertain significance (1); Likely benign (1). Last evaluated 2022-12-02.

Allele frequency attached by ClinVar (database versions not stated): TOPMed below 0.00001.

Submissions (2):

GeneDx
Classification: Likely benign. Last evaluated: 2022-12-02. Review status: criteria provided, single submitter. Criteria: GeneDx Variant Classification Process June 2021. Collection method: clinical testing. Allele origin: germline. Affected: yes.
Comment: See Variant Classification Assertion Criteria.

Blueprint Genetics
Classification: Uncertain significance. Last evaluated: 2020-10-08. Review status: criteria provided, single submitter. Criteria: ACMG Guidelines, 2015. Collection method: clinical testing. Allele origin: germline.

NM_030632.3(ASXL3):c.5672G>A (p.Ser1891Asn)

Gene: ASXL3 (ASXL transcriptional regulator 3; plus strand). Cytogenetic location: 18q12.1.
Variant type: single nucleotide variant.
Coding change: c.5672G>A on transcript NM_030632.3 (MANE Select); coding-DNA position 5672, G replaced by A.
Protein change: p.Ser1891Asn; replaces serine 1891 with asparagine.
Molecular consequence: missense variant.
Genome position (GRCh38, 1-based): chr18:33,745,520, G>A. VCF-style: chr18-33745520-G-A. GRCh37 (hg19) VCF-style: chr18-31325484-G-A.
Other names: short protein forms S1891N.
Identifiers: ClinVar variation 1704066 (VCV001704066.3), dbSNP rs1599576851, ClinGen allele CA402195237.